The following is an entry in ClinVar:

NM_001148.6(ANK2):c.7943G>A (p.Gly2648Asp)

Genes: ANK2 (ankyrin 2; plus strand), LOC126807137 (CDK7 strongly-dependent group 2 enhancer GRCh37_chr4:114276560-114277759; plus strand). Cytogenetic location: 4q26.
Variant type: single nucleotide variant.
Coding change: c.7943G>A on transcript NM_001148.6 (MANE Select); coding-DNA position 7943, G replaced by A.
Protein change: p.Gly2648Asp; replaces glycine 2648 with aspartic acid.
Molecular consequence: missense variant. On other transcripts: intron variant (68).
Genome position (GRCh38, 1-based): chr4:113,356,561, G>A. VCF-style: chr4-113356561-G-A. GRCh37 (hg19) VCF-style: chr4-114277717-G-A.
Other names: c.7709G>A, p.Gly2570Asp (NM_001386142.1); c.4343G>A, p.Gly1448Asp (NM_001386166.1); c.8084G>A, p.Gly2695Asp (NM_001386174.1); c.8060G>A, p.Gly2687Asp (NM_001386175.1); c.4412-4262G>A (NM_001386186.2, NM_001386148.2); c.4214-4262G>A (NM_001354269.3); c.4292-4262G>A (NM_001386187.2); c.4253-4262G>A (NM_001386147.1); and 35 more; short protein forms G2648D, G1448D, G2570D, G2687D, G2695D.
Identifiers: ClinVar variation 457055 (VCV000457055.23), dbSNP rs563254150, ClinGen allele CA3051683.

ClinVar aggregate classification (germline): Benign/Likely benign. Review status: criteria provided, multiple submitters, no conflicts (2 of 4 stars). 7 submissions from 7 submitters: Benign (3); Likely benign (4). Last evaluated 2026-07-01.

Conditions:
Cardiovascular phenotype. Identifiers: MedGen CN230736.
Long QT syndrome (LQTS). Identifiers: MedGen C0023976, MeSH D008133, MONDO:0002442. Disease mechanism: loss of function. Inheritance: Various modes of inheritance.
Cardiac arrhythmia, ankyrin-B-related. Also called: ANKYRIN-B SYNDROME. Identifiers: Orphanet 101016, Orphanet 768, MedGen C1970119, MONDO:0010958, OMIM 600919.

Allele frequency attached by ClinVar (database versions not stated): 1000 Genomes Project 30x 0.00141; 1000 Genomes Project 0.00160; gnomAD 0.00001 and 0.00028; TOPMed 0.00006; gnomAD exomes 0.00043 and 0.00087; ExAC 0.00096.
gnomAD v4.1: 673 of 1,614,114 alleles (0.042%); highest among the groups gnomAD compares: South Asian, 0.69%; 10 homozygotes.

Submissions (7):

CeGaT Center for Human Genetics Tuebingen
Classification: Likely benign. Last evaluated: 2026-07-01. Review status: criteria provided, single submitter. Criteria: CeGaT Center For Human Genetics Tuebingen Variant Classification Criteria Version 2. Collection method: clinical testing. Allele origin: germline. Affected: yes. Observed: 2 variant alleles.
Comment: ANK2: BP4

Labcorp Genetics (formerly Invitae), Labcorp
Classification: Benign for Long QT syndrome. Last evaluated: 2026-01-24. Review status: criteria provided, single submitter. Criteria: Invitae Variant Classification Sherloc (09022015). Collection method: clinical testing. Allele origin: germline.

Blueprint Genetics
Classification: Likely benign. Last evaluated: 2024-11-13. Review status: criteria provided, single submitter. Criteria: ACMG Guidelines, 2015. Collection method: clinical testing. Allele origin: germline.

Genome-Nilou Lab
Classification: Benign for Cardiac arrhythmia, ankyrin-B-related. Last evaluated: 2021-12-05. Review status: criteria provided, single submitter. Criteria: ACMG Guidelines, 2015. Collection method: clinical testing. Allele origin: germline. Affected: no.

GeneDx
Classification: Likely benign. Last evaluated: 2021-03-23. Review status: criteria provided, single submitter. Criteria: GeneDx Variant Classification Process June 2021. Collection method: clinical testing. Allele origin: germline. Affected: yes.

Ambry Genetics
Classification: Benign for Cardiovascular phenotype. Last evaluated: 2019-10-03. Review status: criteria provided, single submitter. Criteria: Ambry Variant Classification Scheme 2023. Collection method: clinical testing. Allele origin: germline.

Illumina Laboratory Services, Illumina
Classification: Likely benign for Cardiac arrhythmia, ankyrin-B-related. Last evaluated: 2018-01-13. Review status: criteria provided, single submitter. Criteria: ICSL Variant Classification Criteria 13 December 2019. Collection method: clinical testing. Allele origin: germline.
Comment: This variant was observed in the ICSL laboratory as part of a predisposition screen in an ostensibly healthy population. It had not been previously curated by ICSL or reported in the Human Gene Mutation Database (HGMD: prior to June 1st, 2018), and was therefore a candidate for classification through an automated scoring system. Utilizing variant allele frequency, disease prevalence and penetrance estimates, and inheritance mode, an automated score was calculated to assess if this variant is too frequent to cause the disease. Based on the score and internal cut-off values, a variant classified as likely benign is not then subjected to further curation. The score for this variant resulted in a classification of likely benign for this disease.